The following is an entry in ClinVar:

NM_183357.3(ADCY5):c.1171A>G (p.Ile391Val)

Gene: ADCY5 (adenylate cyclase 5; minus strand). Cytogenetic location: 3q21.1.
Variant type: single nucleotide variant.
Coding change: c.1171A>G on transcript NM_183357.3 (MANE Select); coding-DNA position 1171, A replaced by G.
Protein change: p.Ile391Val; replaces isoleucine 391 with valine.
Molecular consequence: missense variant.
Genome position (GRCh38, 1-based): chr3:123,352,545, T>C on the plus strand (A>G on the coding strand, the complement: ADCY5 is on the minus strand). VCF-style: chr3-123352545-T-C. GRCh37 (hg19) VCF-style: chr3-123071392-T-C.
Other names: c.121A>G, p.Ile41Val (NM_001199642.1); c.1171A>G, p.Ile391Val (NM_001378259.1); short protein forms I391V, I41V.
Identifiers: ClinVar variation 3234740 (VCV003234740.20), dbSNP rs773088836, ClinGen allele CA2577534.
Genomic context (GRCh38, chr3:123,352,545, plus strand): 5'-TCTCCTGGAAAGCCTGTCTCTGGGAGACCTCAGCCGGATAGTGGGTGCAGACACCCACGA[T>C]GTTGGTGCAGGAGAAAATGAGAACATTGGAGACAAGCTGCAGAGGGAGAGAGGAGCACAC-3'
Protein context (NP_899200.1, residues 381-401): SNVLIFSCTN[Ile391Val]VGVCTHYPAE

ClinVar aggregate classification (germline): Uncertain significance (1 of 4 stars; one submission).

Allele frequency attached by ClinVar (database versions not stated): gnomAD exomes below 0.00001; ExAC 0.00001.
gnomAD v4.1: 2 of 1,613,616 alleles (0.00012%); highest among the groups gnomAD compares: Non-Finnish European, 0.00017%; no homozygotes.

Submission:

CeGaT Center for Human Genetics Tuebingen
Classification: Uncertain significance. Last evaluated: 2024-04-01. Review status: criteria provided, single submitter. Criteria: CeGaT Center For Human Genetics Tuebingen Variant Classification Criteria Version 2. Collection method: clinical testing. Allele origin: germline. Affected: yes. Observed: 1 variant allele.
Comment: ADCY5: PM2